The following is an entry in ClinVar:

NM_024678.6(NARS2):c.643G>C (p.Ala215Pro)

Gene: NARS2 (asparaginyl-tRNA synthetase 2, mitochondrial; minus strand). Cytogenetic location: 11q14.1.
Variant type: single nucleotide variant.
Coding change: c.643G>C on transcript NM_024678.6 (MANE Select); coding-DNA position 643, G replaced by C.
Protein change: p.Ala215Pro; replaces alanine 215 with proline.
Molecular consequence: missense variant. On other transcripts: 5 prime UTR variant (5), non-coding transcript variant (4), intron variant (2).
Genome position (GRCh38, 1-based): chr11:78,528,888, C>G on the plus strand (G>C on the coding strand, the complement: NARS2 is on the minus strand). VCF-style: chr11-78528888-C-G. GRCh37 (hg19) VCF-style: chr11-78239934-C-G.
Other names: c.-39G>C (NM_001243251.2, NM_001425310.1, NM_001425312.1 and 2 more transcripts); c.643G>C, p.Ala215Pro (NM_001425299.1, NM_001425300.1, NM_001425301.1 and 4 more transcripts); c.562G>C, p.Ala188Pro (NM_001425302.1, NM_001425303.1); c.412G>C, p.Ala138Pro (NM_001425308.1); c.594+30651G>C (NM_001425307.1); c.38+30651G>C (NM_001425311.1); short protein forms A138P, A188P, A215P.
Identifiers: ClinVar variation 3342379 (VCV003342379.1).

ClinVar aggregate classification (germline): Uncertain significance (1 of 4 stars; one submission).

Submission:

GeneDx
Classification: Uncertain significance. Last evaluated: 2023-11-21. Review status: criteria provided, single submitter. Criteria: GeneDx Variant Classification Process June 2021. Collection method: clinical testing. Allele origin: germline. Affected: yes.
Comment: Not observed at significant frequency in large population cohorts (gnomAD); In silico analysis supports that this missense variant has a deleterious effect on protein structure/function; Identified with a second variant in NARS2 in a patient with epileptic encephalopathy, intellectual disability, delayed motor development, and haemolitic anemia in published literature (PMID: 33972171); This variant is associated with the following publications: (PMID: 33972171)